The following is an entry in ClinVar:

NM_001848.3(COL6A1):c.1823-8G>A

Gene: COL6A1 (collagen type VI alpha 1 chain; plus strand). Cytogenetic location: 21q22.3.
Variant type: single nucleotide variant.
Coding change: c.1823-8G>A on transcript NM_001848.3 (MANE Select); 8 bases into the intron before coding-DNA position 1823, G replaced by A.
Molecular consequence: intron variant.
Genome position (GRCh38, 1-based): chr21:46,001,245, G>A. VCF-style: chr21-46001245-G-A. GRCh37 (hg19) VCF-style: chr21-47421159-G-A.
Other names: p.?.
Identifiers: ClinVar variation 93837 (VCV000093837.27), dbSNP rs184666690, ClinGen allele CA200248.

ClinVar aggregate classification (germline): Benign. Review status: criteria provided, multiple submitters, no conflicts (2 of 4 stars). 9 submissions from 9 submitters: Benign (6). 3 of the submissions do not count toward it. Last evaluated 2026-01-26.

Conditions:
COL6A1-related disorder. Also called: COL6A1-related condition.
Collagen 6-related myopathy. Identifiers: MedGen CN117976, MONDO:0100225.
Bethlem myopathy 1A. Also called: Bethlem myopathy 1; Bethlem Muscular Dystrophy; MYOPATHY, BENIGN CONGENITAL, WITH CONTRACTURES. Identifiers: Orphanet 610, MedGen CN029274, MONDO:0024530, OMIM 158810.

Allele frequency attached by ClinVar (database versions not stated): gnomAD exomes 0.00672 and 0.00980; ExAC 0.01101; 1000 Genomes Project 0.01358; 1000 Genomes Project 30x 0.01140; ESP Exome Variant Server 0.00200; TOPMed 0.00258; gnomAD 0.00711.

Submissions (9):

Labcorp Genetics (formerly Invitae), Labcorp
Classification: Benign for Bethlem myopathy 1A. Last evaluated: 2026-01-26. Review status: criteria provided, single submitter. Criteria: Invitae Variant Classification Sherloc (09022015). Collection method: clinical testing. Allele origin: germline.

Mayo Clinic Laboratories, Mayo Clinic
Classification: Benign. Last evaluated: 2020-10-15. Review status: criteria provided, single submitter. Criteria: ACMG Guidelines, 2015. Collection method: clinical testing. Allele origin: germline. Observed: 7 variant alleles.

Illumina Laboratory Services, Illumina
Classification: Benign for Collagen VI-related myopathy. Last evaluated: 2018-01-13. Review status: criteria provided, single submitter. Criteria: ICSL Variant Classification Criteria 13 December 2019. Collection method: clinical testing. Allele origin: germline.
Comment: This variant was observed in the ICSL laboratory as part of a predisposition screen in an ostensibly healthy population. It had not been previously curated by ICSL or reported in the Human Gene Mutation Database (HGMD: prior to June 1st, 2018), and was therefore a candidate for classification through an automated scoring system. Utilizing variant allele frequency, disease prevalence and penetrance estimates, and inheritance mode, an automated score was calculated to assess if this variant is too frequent to cause the disease. Based on the score and internal cut-off values, a variant classified as benign is not then subjected to further curation. The score for this variant resulted in a classification of benign for this disease.

Genetic Services Laboratory, University of Chicago
Classification: Benign. Last evaluated: 2016-07-12. Review status: criteria provided, single submitter. Criteria: ACMG Guidelines, 2015. Collection method: clinical testing. Allele origin: germline. Affected: no.

GeneDx
Classification: Benign. Last evaluated: 2016-03-11. Review status: criteria provided, single submitter. Criteria: GeneDx Variant Classification (06012015). Collection method: clinical testing. Allele origin: germline. Affected: yes.
Comment: This variant is considered likely benign or benign based on one or more of the following criteria: it is a conservative change, it occurs at a poorly conserved position in the protein, it is predicted to be benign by multiple in silico algorithms, and/or has population frequency not consistent with disease.

Eurofins Ntd Llc (ga)
Classification: Benign. Last evaluated: 2015-02-27. Review status: criteria provided, single submitter. Criteria: EGL Classification Definitions 2015. Collection method: clinical testing. Allele origin: germline. Observed: 7 variant alleles, 6 heterozygotes, 1 homozygote.

PreventionGenetics, part of Exact Sciences
Classification: Benign for COL6A1-related condition. Last evaluated: 2019-05-06. Review status: no assertion criteria provided. Collection method: clinical testing. Allele origin: germline. Not counted in ClinVar's aggregate classification.
Comment: This variant is classified as benign based on ACMG/AMP sequence variant interpretation guidelines (Richards et al. 2015 PMID: 25741868, with internal and published modifications).

Joint Genome Diagnostic Labs from Nijmegen and Maastricht, Radboudumc and MUMC+
Classification: Likely benign. Review status: no assertion criteria provided. Collection method: clinical testing. Allele origin: germline. Affected: yes. Study: VKGL Data-share Consensus. Not counted in ClinVar's aggregate classification.

Laboratory of Diagnostic Genome Analysis, Leiden University Medical Center (LUMC)
Classification: Likely benign. Review status: no assertion criteria provided. Collection method: clinical testing. Allele origin: germline. Affected: yes. Study: VKGL Data-share Consensus. Not counted in ClinVar's aggregate classification.